The following is an entry in ClinVar:

NM_000642.3(AGL):c.1710A>T (p.Arg570Ser)

Gene: AGL (amylo-alpha-1,6-glucosidase and 4-alpha-glucanotransferase; plus strand). Cytogenetic location: 1p21.2.
Variant type: single nucleotide variant.
Coding change: c.1710A>T on transcript NM_000642.3 (MANE Select); coding-DNA position 1710, A replaced by T.
Protein change: p.Arg570Ser; replaces arginine 570 with serine.
Molecular consequence: missense variant.
Genome position (GRCh38, 1-based): chr1:99,880,021, A>T. VCF-style: chr1-99880021-A-T. GRCh37 (hg19) VCF-style: chr1-100345577-A-T.
Other names: c.1710A>T, p.Arg570Ser (NM_000028.3, NM_000643.3, NM_000644.3 and 2 more transcripts); c.1662A>T, p.Arg554Ser (NM_000646.3); c.1509A>T, p.Arg503Ser (NM_001425327.1); c.1506A>T, p.Arg502Ser (NM_001425328.1, NM_001425329.1); c.1332A>T, p.Arg444Ser (NM_001425332.1); short protein forms R570S, R554S, R444S, R502S, R503S.
Identifiers: ClinVar variation 2036991 (VCV002036991.4), dbSNP rs759225609, ClinGen allele CA966566.

ClinVar aggregate classification (germline): Uncertain significance (1 of 4 stars; one submission).

Conditions:
Glycogen storage disease type III (GSD3). Also called: Cori disease; FORBES DISEASE. Identifiers: Orphanet 366, MedGen C0017922, MONDO:0009291, OMIM 232400.

gnomAD v4.1: 6 of 1,613,574 alleles (0.00037%); highest among the groups gnomAD compares: Admixed American, 0.0067%; no homozygotes.

Submission:

Labcorp Genetics (formerly Invitae), Labcorp
Classification: Uncertain significance for Glycogen storage disease type III. Last evaluated: 2022-03-26. Review status: criteria provided, single submitter. Criteria: Invitae Variant Classification Sherloc (09022015). Collection method: clinical testing. Allele origin: germline.
Comment: This variant is present in population databases (rs759225609, gnomAD 0.01%). This sequence change replaces arginine, which is basic and polar, with serine, which is neutral and polar, at codon 570 of the AGL protein (p.Arg570Ser). This variant has not been reported in the literature in individuals affected with AGL-related conditions. In summary, the available evidence is currently insufficient to determine the role of this variant in disease. Therefore, it has been classified as a Variant of Uncertain Significance. Algorithms developed to predict the effect of missense changes on protein structure and function (SIFT, PolyPhen-2, Align-GVGD) all suggest that this variant is likely to be tolerated.